The following is an entry in ClinVar:

NM_021930.6(RINT1):c.948G>A (p.Arg316=)

Gene: RINT1 (RAD50 interactor 1; plus strand). Cytogenetic location: 7q22.3.
Variant type: single nucleotide variant.
Coding change: c.948G>A on transcript NM_021930.6 (MANE Select); coding-DNA position 948, G replaced by A.
Protein change: p.Arg316=; no amino-acid change (arginine 316 retained).
Molecular consequence: synonymous variant. On other transcripts: 5 prime UTR variant (1), non-coding transcript variant (1), intron variant (1).
Genome position (GRCh38, 1-based): chr7:105,548,662, G>A. VCF-style: chr7-105548662-G-A. GRCh37 (hg19) VCF-style: chr7-105189109-G-A.
Other names: c.714G>A, p.Arg238= (NM_001346599.2); c.-72G>A (NM_001346600.2); c.24G>A, p.Arg8= (NM_001346601.2); c.-27-1393G>A (NM_001346603.2).
Identifiers: ClinVar variation 2155382 (VCV002155382.4), dbSNP rs2485127969, ClinGen allele CA457050728.

ClinVar aggregate classification (germline): Uncertain significance (1 of 4 stars; one submission).

Allele frequency attached by ClinVar (database versions not stated): gnomAD exomes below 0.00001.

Submission:

Labcorp Genetics (formerly Invitae), Labcorp
Classification: Uncertain significance. Last evaluated: 2022-09-21. Review status: criteria provided, single submitter. Criteria: Invitae Variant Classification Sherloc (09022015). Collection method: clinical testing. Allele origin: germline.
Comment: In summary, the available evidence is currently insufficient to determine the role of this variant in disease. Therefore, it has been classified as a Variant of Uncertain Significance. Algorithms developed to predict the effect of sequence changes on RNA splicing suggest that this variant may create or strengthen a splice site. This variant has not been reported in the literature in individuals affected with RINT1-related conditions. This variant is not present in population databases (gnomAD no frequency). This sequence change affects codon 316 of the RINT1 mRNA. It is a 'silent' change, meaning that it does not change the encoded amino acid sequence of the RINT1 protein.